The following is an entry in ClinVar:

NM_152564.5(VPS13B):c.7536G>T (p.Trp2512Cys)

Gene: VPS13B (vacuolar protein sorting 13 homolog B; plus strand). Cytogenetic location: 8q22.2.
Variant type: single nucleotide variant.
Coding change: c.7536G>T on transcript NM_152564.5 (MANE Select); coding-DNA position 7536, G replaced by T.
Protein change: p.Trp2512Cys; replaces tryptophan 2512 with cysteine.
Molecular consequence: missense variant.
Genome position (GRCh38, 1-based): chr8:99,778,788, G>T. VCF-style: chr8-99778788-G-T. GRCh37 (hg19) VCF-style: chr8-100791016-G-T.
Other names: c.7611G>T, p.Trp2537Cys (NM_017890.5); short protein forms W2512C, W2537C.
Identifiers: ClinVar variation 1354005 (VCV001354005.6), dbSNP rs1434963421, ClinGen allele CA371876171.

ClinVar aggregate classification (germline): Uncertain significance (1 of 4 stars; one submission).

Conditions:
Cohen syndrome (COH1). Also called: PEPPER SYNDROME; Cutis verticis gyrata, retinitis pigmentosa, and sensorineural deafness. Identifiers: Orphanet 193, MedGen C0265223, MONDO:0008999, OMIM 216550.

Submission:

Labcorp Genetics (formerly Invitae), Labcorp
Classification: Uncertain significance for Cohen syndrome. Last evaluated: 2022-06-05. Review status: criteria provided, single submitter. Criteria: Invitae Variant Classification Sherloc (09022015). Collection method: clinical testing. Allele origin: germline.
Comment: This variant is not present in population databases (gnomAD no frequency). This sequence change replaces tryptophan, which is neutral and slightly polar, with cysteine, which is neutral and slightly polar, at codon 2537 of the VPS13B protein (p.Trp2537Cys). In summary, the available evidence is currently insufficient to determine the role of this variant in disease. Therefore, it has been classified as a Variant of Uncertain Significance. Algorithms developed to predict the effect of missense changes on protein structure and function are either unavailable or do not agree on the potential impact of this missense change (SIFT: "Not Available"; PolyPhen-2: "Possibly Damaging"; Align-GVGD: "Not Available"). ClinVar contains an entry for this variant (Variation ID: 1354005). This variant has not been reported in the literature in individuals affected with VPS13B-related conditions.